The following is an entry in ClinVar:

ClinVar aggregate classification (germline): Benign/Likely benign. Review status: criteria provided, multiple submitters, no conflicts (2 of 4 stars). 2 submissions from 2 submitters: Benign (1); Likely benign (1). Last evaluated 2024-11-07.

Conditions:
Hereditary cancer-predisposing syndrome. Also called: Hereditary Cancer Syndrome; Hereditary neoplastic syndrome; Neoplastic Syndromes, Hereditary; Tumor predisposition. Identifiers: Orphanet 140162, MedGen C0027672, MeSH D009386, MONDO:0015356.
Papillary renal cell carcinoma type 1 (RCCP1). Also called: Renal adenocarcinoma; Renal cell carcinoma 1; Renal cell carcinoma, somatic; RENAL CELL CARCINOMA, PAPILLARY, 1, SOMATIC. Identifiers: Orphanet 47044, MedGen C1336839, OMIM 605074, HP:0011797.

Allele frequency attached by ClinVar (database versions not stated): gnomAD 0.00001; 1000 Genomes Project 30x 0.00016; 1000 Genomes Project 0.00020.
gnomAD v4.1: 1 of 1,614,084 alleles (0.000062%); highest among the groups gnomAD compares: Admixed American, 0.0017%; no homozygotes.

Submissions (2):

Myriad Genetics, Inc.
Classification: Benign for Papillary renal cell carcinoma type 1. Last evaluated: 2024-11-07. Review status: criteria provided, single submitter. Criteria: Myriad Autosomal Dominant, Autosomal Recessive and X-Linked Classification Criteria (2023). Collection method: clinical testing. Allele origin: unknown.
Comment: This variant is considered benign. This variant is a silent/synonymous amino acid change and it is not expected to impact splicing.

Ambry Genetics
Classification: Likely benign for Hereditary cancer-predisposing syndrome. Last evaluated: 2019-09-18. Review status: criteria provided, single submitter. Criteria: Ambry Variant Classification Scheme 2023. Collection method: clinical testing. Allele origin: germline.

NM_000245.4(MET):c.1476G>A (p.Val492=)

Gene: MET (MET proto-oncogene, receptor tyrosine kinase; plus strand). Cytogenetic location: 7q31.2.
Variant type: single nucleotide variant.
Coding change: c.1476G>A on transcript NM_000245.4 (MANE Select); coding-DNA position 1476, G replaced by A.
Protein change: p.Val492=; no amino-acid change (valine 492 retained).
Molecular consequence: synonymous variant.
Genome position (GRCh38, 1-based): chr7:116,740,033, G>A. VCF-style: chr7-116740033-G-A. GRCh37 (hg19) VCF-style: chr7-116380087-G-A.
Other names: c.1476G>A, p.Val492= (NM_001127500.3, NM_001324401.3); c.186G>A, p.Val62= (NM_001324402.2).
Identifiers: ClinVar variation 1773468 (VCV001773468.3), dbSNP rs528788133, ClinGen allele CA4448166.
Genomic context (GRCh38, chr7:116,740,033, plus strand): 5'-ATCAACCCCTCATGTGAATTTTCTCCTGGACTCCCATCCAGTGTCTCCAGAAGTGATTGT[G>A]GAGCATACATTAAACCAAAATGGCTACACACTGGTTATCACTGGGAAGAAGGTAAGCTGT-3'
Protein context (NP_000236.2, residues 482-502): DSHPVSPEVI[Val492=]EHTLNQNGYT